The following is an entry in ClinVar:

NM_004304.5(ALK):c.2081A>C (p.His694Pro)

Gene: ALK (ALK receptor tyrosine kinase; minus strand). Cytogenetic location: 2p23.2.
Variant type: single nucleotide variant.
Coding change: c.2081A>C on transcript NM_004304.5 (MANE Select); coding-DNA position 2081, A replaced by C.
Protein change: p.His694Pro; replaces histidine 694 with proline.
Molecular consequence: missense variant.
Genome position (GRCh38, 1-based): chr2:29,251,228, T>G on the plus strand (A>C on the coding strand, the complement: ALK is on the minus strand). VCF-style: chr2-29251228-T-G. GRCh37 (hg19) VCF-style: chr2-29474094-T-G.
Other names: short protein forms H694P.
Identifiers: ClinVar variation 5035704 (VCV005035704.1).

ClinVar aggregate classification (germline): Uncertain significance (1 of 4 stars; one submission).

Conditions:
Hereditary cancer-predisposing syndrome. Also called: Hereditary Cancer Syndrome; Neoplastic Syndromes, Hereditary; Tumor predisposition; Hereditary neoplastic syndrome. Identifiers: Orphanet 140162, MedGen C0027672, MeSH D009386, MONDO:0015356.

Submission:

Ambry Genetics
Classification: Uncertain significance for Hereditary cancer-predisposing syndrome. Last evaluated: 2026-09-12. Review status: criteria provided, single submitter. Criteria: Ambry Variant Classification Scheme 2023. Collection method: clinical testing. Allele origin: germline.
Comment: The p.H694P variant (also known as c.2081A>C), located in coding exon 12 of the ALK gene, results from an A to C substitution at nucleotide position 2081. The histidine at codon 694 is replaced by proline, an amino acid with similar properties. This amino acid position is conserved. In addition, this alteration is predicted to be tolerated by in silico analysis. Based on the available evidence, the clinical significance of this variant remains unclear.